The following is an entry in ClinVar:

ClinVar aggregate classification (germline): Uncertain significance (1 of 4 stars; one submission).

Conditions:
Rhabdoid tumor predisposition syndrome 2 (RTPS2). Identifiers: Orphanet 231108, Orphanet 69077, MedGen C2750074, MONDO:0013224, OMIM 613325.

Submission:

Labcorp Genetics (formerly Invitae), Labcorp
Classification: Uncertain significance for Rhabdoid tumor predisposition syndrome 2. Last evaluated: 2024-07-24. Review status: criteria provided, single submitter. Criteria: Invitae Variant Classification Sherloc (09022015). Collection method: clinical testing. Allele origin: germline.
Comment: This sequence change replaces proline, which is neutral and non-polar, with alanine, which is neutral and non-polar, at codon 258 of the SMARCA4 protein (p.Pro258Ala). This variant is not present in population databases (gnomAD no frequency). This variant has not been reported in the literature in individuals affected with SMARCA4-related conditions. Advanced modeling of protein sequence and biophysical properties (such as structural, functional, and spatial information, amino acid conservation, physicochemical variation, residue mobility, and thermodynamic stability) has been performed at Invitae for this missense variant, however the output from this modeling did not meet the statistical confidence thresholds required to predict the impact of this variant on SMARCA4 protein function. In summary, the available evidence is currently insufficient to determine the role of this variant in disease. Therefore, it has been classified as a Variant of Uncertain Significance.

NM_003072.5(SMARCA4):c.772C>G (p.Pro258Ala)

Gene: SMARCA4 (SWI/SNF related BAF chromatin remodeling complex subunit ATPase 4; plus strand). Cytogenetic location: 19p13.2.
Variant type: single nucleotide variant.
Coding change: c.772C>G on transcript NM_003072.5 (MANE Select); coding-DNA position 772, C replaced by G.
Protein change: p.Pro258Ala; replaces proline 258 with alanine.
Molecular consequence: missense variant. On other transcripts: non-coding transcript variant (1).
Genome position (GRCh38, 1-based): chr19:10,986,916, C>G. VCF-style: chr19-10986916-C-G. GRCh37 (hg19) VCF-style: chr19-11097592-C-G.
Other names: c.772C>G, p.Pro258Ala (NM_001128844.3, NM_001128845.2, NM_001128846.2 and 6 more transcripts); short protein forms P258A.
Identifiers: ClinVar variation 3679249 (VCV003679249.2).